The following is an entry in ClinVar:

ClinVar aggregate classification (germline): Uncertain significance (1 of 4 stars; one submission).

Conditions:
HNSHA due to aldolase A deficiency (GSD12). Also called: GLYCOGEN STORAGE DISEASE XII; GSD XII; RED CELL ALDOLASE DEFICIENCY; Glycogen storage disease due to aldolase A deficiency. Identifiers: Orphanet 57, MedGen C0272066, MONDO:0012747, OMIM 611881.

Allele frequency attached by ClinVar (database versions not stated): gnomAD 0.00001; gnomAD exomes 0.00001; ExAC 0.00002; TOPMed 0.00002; ESP Exome Variant Server 0.00008.
gnomAD v4.1: 16 of 1,613,554 alleles (0.00099%); highest among the groups gnomAD compares: African/African-American, 0.004%; no homozygotes.

Submission:

Labcorp Genetics (formerly Invitae), Labcorp
Classification: Uncertain significance for HNSHA due to aldolase A deficiency. Last evaluated: 2022-04-01. Review status: criteria provided, single submitter. Criteria: Invitae Variant Classification Sherloc (09022015). Collection method: clinical testing. Allele origin: germline.
Comment: In summary, the available evidence is currently insufficient to determine the role of this variant in disease. Therefore, it has been classified as a Variant of Uncertain Significance. Algorithms developed to predict the effect of missense changes on protein structure and function (SIFT, PolyPhen-2, Align-GVGD) all suggest that this variant is likely to be tolerated. This variant has not been reported in the literature in individuals affected with ALDOA-related conditions. This variant is present in population databases (rs151069138, gnomAD 0.007%). This sequence change replaces arginine, which is basic and polar, with histidine, which is basic and polar, at codon 258 of the ALDOA protein (p.Arg258His).

NM_001243177.4(ALDOA):c.935G>A (p.Arg312His)

Genes: ALDOA (aldolase, fructose-bisphosphate A; plus strand), LOC112694756 (uncharaterized LOC112694756; plus strand). Cytogenetic location: 16p11.2.
Variant type: single nucleotide variant.
Coding change: c.935G>A on transcript NM_001243177.4 (MANE Select); coding-DNA position 935, G replaced by A.
Protein change: p.Arg312His; replaces arginine 312 with histidine.
Molecular consequence: missense variant. On other transcripts: 3 prime UTR variant (3).
Genome position (GRCh38, 1-based): chr16:30,069,647, G>A. VCF-style: chr16-30069647-G-A. GRCh37 (hg19) VCF-style: chr16-30080968-G-A.
Other names: c.*1282G>A (NM_001365304.2, NM_001365305.2, NM_001365307.2); c.773G>A, p.Arg258His (NM_001127617.2, NM_184041.5, NM_184043.2); short protein forms R258H, R312H.
Identifiers: ClinVar variation 2416717 (VCV002416717.5), dbSNP rs151069138, ClinGen allele CA8001123.